The following is an entry in ClinVar:

NM_001567.4(INPPL1):c.3461C>G (p.Pro1154Arg)

Gene: INPPL1 (inositol polyphosphate phosphatase like 1; plus strand). Cytogenetic location: 11q13.4.
Variant type: single nucleotide variant.
Coding change: c.3461C>G on transcript NM_001567.4 (MANE Select); coding-DNA position 3461, C replaced by G.
Protein change: p.Pro1154Arg; replaces proline 1154 with arginine.
Molecular consequence: missense variant.
Genome position (GRCh38, 1-based): chr11:72,237,705, C>G. VCF-style: chr11-72237705-C-G. GRCh37 (hg19) VCF-style: chr11-71948749-C-G.
Other names: short protein forms P1154R.
Identifiers: ClinVar variation 3234870 (VCV003234870.1), dbSNP rs769535843, ClinGen allele CA381739268.

ClinVar aggregate classification (germline): Uncertain significance (1 of 4 stars; one submission).

Conditions:
Opsismodysplasia (OPSMD). Also called: INPPL1-Related Opsismodysplasia. Identifiers: Orphanet 2746, MedGen C0432219, MONDO:0009785, OMIM 258480.

Allele frequency attached by ClinVar (database versions not stated): gnomAD 0.00003.
gnomAD v4.1: 8 of 1,611,474 alleles (0.0005%); highest among the groups gnomAD compares: African/African-American, 0.008%; no homozygotes.

Submission:

Neuberg Centre For Genomic Medicine, NCGM
Classification: Uncertain significance for Opsismodysplasia. Review status: criteria provided, single submitter. Criteria: ACMG Guidelines, 2015. Collection method: clinical testing. Allele origin: germline. Inheritance: Autosomal recessive inheritance. Affected: yes.
Comment: The missense c.3461C>G p.Pro1154Arg variant in INPPL1 gene has not been reported previously as a pathogenic variant nor as a benign variant, to our knowledge. The p.Pro1154Arg variant has allele frequency 0.0008% in gnomAD Exomes and is novel not in any individuals in 1000 Genomes. This variant has not been reported to the ClinVar database. The amino acid change p.Pro1154Arg in INPPL1 is predicted as conserved by GERP++ and PhyloP across 100 vertebrates. The amino acid Pro at position 1154 is changed to a Arg changing protein sequence and it might alter its composition and physico-chemical properties. For these reasons, this variant has been classified as Variant of Uncertain Significance VUS.